The following is an entry in ClinVar:

NM_000744.7(CHRNA4):c.1352C>T (p.Pro451Leu)

Gene: CHRNA4 (cholinergic receptor nicotinic alpha 4 subunit; minus strand). Cytogenetic location: 20q13.33.
Variant type: single nucleotide variant.
Coding change: c.1352C>T on transcript NM_000744.7 (MANE Select); coding-DNA position 1352, C replaced by T.
Protein change: p.Pro451Leu; replaces proline 451 with leucine.
Molecular consequence: missense variant. On other transcripts: non-coding transcript variant (1).
Genome position (GRCh38, 1-based): chr20:63,350,059, G>A on the plus strand (C>T on the coding strand, the complement: CHRNA4 is on the minus strand). VCF-style: chr20-63350059-G-A. GRCh37 (hg19) VCF-style: chr20-61981411-G-A.
Other names: p.P451L:CCG>CTG; c.824C>T, p.Pro275Leu (NM_001256573.2); short protein forms P451L, P275L.
Identifiers: ClinVar variation 136759 (VCV000136759.56), dbSNP rs55915440, ClinGen allele CA232447.

ClinVar aggregate classification (germline): Benign/Likely benign. Review status: criteria provided, multiple submitters, no conflicts (2 of 4 stars). 11 submissions from 11 submitters: Benign (4); Likely benign (5). 2 of the submissions do not count toward it. Last evaluated 2026-08-01.

Conditions:
Inborn genetic diseases. Identifiers: MedGen C0950123, MeSH D030342.
Familial sleep-related hypermotor epilepsy. Also called: Autosomal Dominant Sleep-Related Hypermotor (Hyperkinetic) Epilepsy. Identifiers: Orphanet 98784, MedGen C3696898, MONDO:0000030.

Allele frequency attached by ClinVar (database versions not stated): TOPMed 0.00261; ESP Exome Variant Server 0.00169; 1000 Genomes Project 0.00180; ExAC 0.00750; gnomAD 0.00262 and 0.00278; 1000 Genomes Project 30x 0.00203.

Submissions (11):

CeGaT Center for Human Genetics Tuebingen
Classification: Likely benign. Last evaluated: 2026-08-01. Review status: criteria provided, single submitter. Criteria: CeGaT Center For Human Genetics Tuebingen Variant Classification Criteria Version 2. Collection method: clinical testing. Allele origin: germline. Affected: yes. Observed: 37 variant alleles.
Comment: CHRNA4: BP4, BS2

Labcorp Genetics (formerly Invitae), Labcorp
Classification: Benign. Last evaluated: 2026-02-02. Review status: criteria provided, single submitter. Criteria: Invitae Variant Classification Sherloc (09022015). Collection method: clinical testing. Allele origin: germline.

Blueprint Genetics
Classification: Likely benign. Last evaluated: 2024-11-28. Review status: criteria provided, single submitter. Criteria: ACMG Guidelines, 2015. Collection method: clinical testing. Allele origin: germline.

Center for Pediatric Genomic Medicine, Children's Mercy Hospital and Clinics
Classification: Likely benign. Last evaluated: 2016-07-13. Review status: criteria provided, single submitter. Criteria: ACMG Guidelines, 2015. Collection method: clinical testing. Allele origin: germline.
ClinVar note: Converted during submission from Likely Benign to Likely benign.

Ambry Genetics
Classification: Benign for Inborn genetic diseases. Last evaluated: 2016-05-26. Review status: criteria provided, single submitter. Criteria: Ambry Variant Classification Scheme 2023. Collection method: clinical testing. Allele origin: germline.

Eurofins Ntd Llc (ga)
Classification: Benign. Last evaluated: 2015-02-14. Review status: criteria provided, single submitter. Criteria: EGL Classification Definitions 2015. Collection method: clinical testing. Allele origin: germline. Observed: 3 variant alleles, 3 heterozygotes.

GeneDx
Classification: Benign. Last evaluated: 2012-04-03. Review status: criteria provided, single submitter. Criteria: GeneDx Variant Classification (06012015). Collection method: clinical testing. Allele origin: germline. Affected: yes.
Comment: This variant is considered likely benign or benign based on one or more of the following criteria: it is a conservative change, it occurs at a poorly conserved position in the protein, it is predicted to be benign by multiple in silico algorithms, and/or has population frequency not consistent with disease.

Breakthrough Genomics
Classification: Likely benign. Review status: criteria provided, single submitter. Criteria: ACMG Guidelines, 2015. Collection method: not provided. Allele origin: germline. Inheritance: Autosomal dominant inheritance. Affected: yes.

PreventionGenetics, part of Exact Sciences
Classification: Likely benign. Review status: criteria provided, single submitter. Criteria: ACMG Guidelines, 2015. Collection method: clinical testing. Allele origin: germline.

Clinical Genetics DNA and cytogenetics Diagnostics Lab, Erasmus MC, Erasmus Medical Center
Classification: Benign. Review status: no assertion criteria provided. Collection method: clinical testing. Allele origin: germline. Affected: yes. Study: VKGL Data-share Consensus. Not counted in ClinVar's aggregate classification.

Genome Diagnostics Laboratory, University Medical Center Utrecht
Classification: Likely benign. Review status: no assertion criteria provided. Collection method: clinical testing. Allele origin: germline. Affected: yes. Study: VKGL Data-share Consensus. Not counted in ClinVar's aggregate classification.